The following is an entry in ClinVar:

NM_021167.5(GATAD1):c.627G>T (p.Glu209Asp)

Gene: GATAD1 (GATA zinc finger domain containing 1; plus strand). Cytogenetic location: 7q21.2.
Variant type: single nucleotide variant.
Coding change: c.627G>T on transcript NM_021167.5 (MANE Select); coding-DNA position 627, G replaced by T.
Protein change: p.Glu209Asp; replaces glutamic acid 209 with aspartic acid.
Molecular consequence: missense variant. On other transcripts: non-coding transcript variant (1).
Genome position (GRCh38, 1-based): chr7:92,456,379, G>T. VCF-style: chr7-92456379-G-T. GRCh37 (hg19) VCF-style: chr7-92085693-G-T.
Other names: short protein forms E209D.
Identifiers: ClinVar variation 1414222 (VCV001414222.6), dbSNP rs2115885370, ClinGen allele CA368162577.

ClinVar aggregate classification (germline): Uncertain significance (1 of 4 stars; one submission).

Conditions:
Dilated cardiomyopathy 2B. Identifiers: Orphanet 154, MedGen C3553409, MONDO:0013848, OMIM 614672.

Submission:

Labcorp Genetics (formerly Invitae), Labcorp
Classification: Uncertain significance for Dilated cardiomyopathy 2B. Last evaluated: 2022-07-26. Review status: criteria provided, single submitter. Criteria: Invitae Variant Classification Sherloc (09022015). Collection method: clinical testing. Allele origin: germline.
Comment: In summary, the available evidence is currently insufficient to determine the role of this variant in disease. Therefore, it has been classified as a Variant of Uncertain Significance. Algorithms developed to predict the effect of missense changes on protein structure and function (SIFT, PolyPhen-2, Align-GVGD) all suggest that this variant is likely to be tolerated. ClinVar contains an entry for this variant (Variation ID: 1414222). This variant has not been reported in the literature in individuals affected with GATAD1-related conditions. This variant is not present in population databases (gnomAD no frequency). This sequence change replaces glutamic acid, which is acidic and polar, with aspartic acid, which is acidic and polar, at codon 209 of the GATAD1 protein (p.Glu209Asp).